The following is an entry in ClinVar:

ClinVar aggregate classification (germline): Uncertain significance (1 of 4 stars; one submission).

Conditions:
Inborn genetic diseases. Identifiers: MedGen C0950123, MeSH D030342.

Submission:

Ambry Genetics
Classification: Uncertain significance for Inborn genetic diseases. Last evaluated: 2022-10-17. Review status: criteria provided, single submitter. Criteria: Ambry Variant Classification Scheme 2023. Collection method: clinical testing. Allele origin: germline.
Comment: The c.837G>C (p.K279N) alteration is located in exon 6 (coding exon 6) of the DNM1 gene. This alteration results from a G to C substitution at nucleotide position 837, causing the lysine (K) at amino acid position 279 to be replaced by an asparagine (N). This variant was not reported in population-based cohorts in the Genome Aggregation Database (gnomAD). This amino acid position is highly conserved in available vertebrate species. This missense alteration is located in a region that has a low rate of benign missense variation (Lek, 2016; Firth, 2009). This alteration is predicted to be tolerated by in silico analysis. Based on insufficient or conflicting evidence, the clinical significance of this alteration remains unclear.

NM_004408.4(DNM1):c.837G>C (p.Lys279Asn)

Gene: DNM1 (dynamin 1; plus strand). Cytogenetic location: 9q34.11.
Variant type: single nucleotide variant.
Coding change: c.837G>C on transcript NM_004408.4 (MANE Select); coding-DNA position 837, G replaced by C.
Protein change: p.Lys279Asn; replaces lysine 279 with asparagine.
Molecular consequence: missense variant.
Genome position (GRCh38, 1-based): chr9:128,220,329, G>C. VCF-style: chr9-128220329-G-C. GRCh37 (hg19) VCF-style: chr9-130982608-G-C.
Other names: c.837G>C, p.Lys279Asn (NM_001005336.3, NM_001288737.2, NM_001288738.2 and 2 more transcripts); short protein forms K279N.
Identifiers: ClinVar variation 3084764 (VCV003084764.1), dbSNP rs2538985440, ClinGen allele CA375013619.